The following is an entry in ClinVar:

NM_001349798.2(FBXW7):c.585-5dup

Gene: FBXW7 (F-box and WD repeat domain containing 7; minus strand). Cytogenetic location: 4q31.3.
Variant type: Duplication.
Coding change: c.585-5dup on transcript NM_001349798.2 (MANE Select); 5 bases into the intron before coding-DNA position 585, one base duplicated (T; older notation c.585-5dupT).
Molecular consequence: intron variant.
Genome position (GRCh38, 1-based): chr4:152,347,076, A duplicated on the plus strand (T on the coding strand, the reverse complement: FBXW7 is on the minus strand); the first of 14 consecutive A bases (chr4:152,347,076-152,347,089); duplicating any one gives the same sequence. VCF-style (leftmost placement, unchanged base first): chr4-152347075-C-CA. GRCh37 (hg19) VCF-style: chr4-153268227-C-CA.
Other names: c.231-5dup (NM_001013415.2); c.345-5dup (NM_018315.5); c.585-5dup (NM_033632.3).
Identifiers: ClinVar variation 3904782 (VCV003904782.10).
Genomic context (GRCh38, chr4:152,347,075, plus strand): 5'-GCTCTGAGGTCCCCAAAAGTTGTTGGTGTTGCTGAACATGGTACAAGCCCAGTGGTACTA[C>CA]AAAAAAAAAAAAAAGAGAGAGAGAAAGGATAAAAGGAAAAAAACAAAAGTGAAAGCAAAG-3'

ClinVar aggregate classification (germline): Likely benign (1 of 4 stars; one submission).

Submission:

CeGaT Center for Human Genetics Tuebingen
Classification: Likely benign. Last evaluated: 2025-05-01. Review status: criteria provided, single submitter. Criteria: CeGaT Center For Human Genetics Tuebingen Variant Classification Criteria Version 2. Collection method: clinical testing. Allele origin: germline. Affected: yes. Observed: 1 variant allele.
Comment: FBXW7: BP4, BS1